The following is an entry in ClinVar:

ClinVar aggregate classification (germline): Benign/Likely benign. Review status: criteria provided, multiple submitters, no conflicts (2 of 4 stars). 5 submissions from 5 submitters: Benign (1); Likely benign (4). Last evaluated 2024-09-20.

Conditions:
CDH1-related diffuse gastric and lobular breast cancer syndrome. Also called: CDH1-related diffuse gastric and lobular breast cancer. Identifiers: MedGen CN311521, MONDO:0100488.
Hereditary cancer-predisposing syndrome. Also called: Hereditary Cancer Syndrome; Neoplastic Syndromes, Hereditary; Hereditary neoplastic syndrome; Tumor predisposition. Identifiers: Orphanet 140162, MedGen C0027672, MeSH D009386, MONDO:0015356.
Hereditary diffuse gastric adenocarcinoma (HDGC). Also called: DIFFUSE GASTRIC AND LOBULAR BREAST CANCER SYNDROME. Identifiers: Orphanet 26106, MedGen C1708349, MONDO:0007648, OMIM 137215.

Allele frequency attached by ClinVar (database versions not stated): gnomAD exomes below 0.00001; ExAC 0.00001.

Submissions (5):

Labcorp Genetics (formerly Invitae), Labcorp
Classification: Likely benign for Hereditary diffuse gastric adenocarcinoma. Last evaluated: 2024-09-20. Review status: criteria provided, single submitter. Criteria: Invitae Variant Classification Sherloc (09022015). Collection method: clinical testing. Allele origin: germline.

Myriad Genetics, Inc.
Classification: Benign for Hereditary diffuse gastric adenocarcinoma. Last evaluated: 2024-09-20. Review status: criteria provided, single submitter. Criteria: Myriad Autosomal Dominant, Autosomal Recessive and X-Linked Classification Criteria (2023). Collection method: clinical testing. Allele origin: unknown.
Comment: This variant is considered benign. This variant is a silent/synonymous amino acid change and it is not expected to impact splicing.

Color Diagnostics, LLC DBA Color Health
Classification: Likely benign for Hereditary cancer-predisposing syndrome. Last evaluated: 2021-04-02. Review status: criteria provided, single submitter. Criteria: ACMG Guidelines, 2015. Collection method: clinical testing. Allele origin: germline.

Department of Pathology and Laboratory Medicine, Sinai Health System
Classification: Likely benign for CDH1-related diffuse gastric and lobular breast cancer syndrome. Last evaluated: 2019-12-17. Review status: criteria provided, single submitter. Criteria: ACMG Guidelines, 2015. Collection method: clinical testing. Allele origin: germline. Affected: yes.

Ambry Genetics
Classification: Likely benign for Hereditary cancer-predisposing syndrome. Last evaluated: 2019-06-13. Review status: criteria provided, single submitter. Criteria: Ambry Variant Classification Scheme 2023. Collection method: clinical testing. Allele origin: germline.

NM_004360.5(CDH1):c.2181C>T (p.Leu727=)

Gene: CDH1 (cadherin 1; plus strand). Cytogenetic location: 16q22.1.
Variant type: single nucleotide variant.
Coding change: c.2181C>T on transcript NM_004360.5 (MANE Select); coding-DNA position 2181, C replaced by T.
Protein change: p.Leu727=; no amino-acid change (leucine 727 retained).
Molecular consequence: synonymous variant.
Genome position (GRCh38, 1-based): chr16:68,828,190, C>T. VCF-style: chr16-68828190-C-T. GRCh37 (hg19) VCF-style: chr16-68862093-C-T.
Other names: c.1998C>T, p.Leu666= (NM_001317184.2); c.633C>T, p.Leu211= (NM_001317185.2); c.216C>T, p.Leu72= (NM_001317186.2).
Identifiers: ClinVar variation 820856 (VCV000820856.16), dbSNP rs781156061, ClinGen allele CA8130226.